The following is an entry in ClinVar:

ClinVar aggregate classification (germline): Uncertain significance. Review status: criteria provided, multiple submitters, no conflicts (2 of 4 stars). 2 submissions from 2 submitters: Uncertain significance (2). Last evaluated 2024-06-16.

Conditions:
Inborn genetic diseases. Identifiers: MedGen C0950123, MeSH D030342.

gnomAD v4.1: 1 of 1,553,558 alleles (0.000064%); highest among the groups gnomAD compares: Non-Finnish European, 0.000087%; no homozygotes.

Submissions (2):

Ambry Genetics
Classification: Uncertain significance for Inborn genetic diseases. Last evaluated: 2024-06-16. Review status: criteria provided, single submitter. Criteria: Ambry Variant Classification Scheme 2023. Collection method: clinical testing. Allele origin: germline.

Labcorp Genetics (formerly Invitae), Labcorp
Classification: Uncertain significance. Last evaluated: 2023-12-07. Review status: criteria provided, single submitter. Criteria: Invitae Variant Classification Sherloc (09022015). Collection method: clinical testing. Allele origin: germline.
Comment: This sequence change replaces valine, which is neutral and non-polar, with isoleucine, which is neutral and non-polar, at codon 1300 of the OBSL1 protein (p.Val1300Ile). This variant is not present in population databases (gnomAD no frequency). This variant has not been reported in the literature in individuals affected with OBSL1-related conditions. ClinVar contains an entry for this variant (Variation ID: 1512881). An algorithm developed to predict the effect of missense changes on protein structure and function (PolyPhen-2) suggests that this variant is likely to be disruptive. In summary, the available evidence is currently insufficient to determine the role of this variant in disease. Therefore, it has been classified as a Variant of Uncertain Significance.

NM_015311.3(OBSL1):c.3898G>A (p.Val1300Ile)

Gene: OBSL1 (obscurin like cytoskeletal adaptor 1; minus strand). Cytogenetic location: 2q35.
Variant type: single nucleotide variant.
Coding change: c.3898G>A on transcript NM_015311.3 (MANE Select); coding-DNA position 3898, G replaced by A.
Protein change: p.Val1300Ile; replaces valine 1300 with isoleucine.
Molecular consequence: missense variant.
Genome position (GRCh38, 1-based): chr2:219,557,511, C>T on the plus strand (G>A on the coding strand, the complement: OBSL1 is on the minus strand). VCF-style: chr2-219557511-C-T. GRCh37 (hg19) VCF-style: chr2-220422233-C-T.
Other names: c.3898G>A, p.Val1300Ile (NM_001173431.2); c.3898G>A (NM_015311.2); short protein forms V1300I.
Identifiers: ClinVar variation 1512881 (VCV001512881.9), dbSNP rs956091480, ClinGen allele CA66028272.
Genomic context (GRCh38, chr2:219,557,511, plus strand): 5'-CCTGCTCCAGCTGCACCCGCCCCTGGCTTGCCAGTCGCTCCCCGTCCTTGTACCAGCGTA[C>T]AGGGCCCCCTGGCCCGGAGAGGTGCACCACCAGCTCTAGGTCCCCGCCTGGGGTGCTCCG-3'
Protein context (NP_056126.1, residues 1290-1310): VVHLSGPGGP[Val1300Ile]RWYKDGERLA